The following is an entry in ClinVar:

NM_001283009.2(RTEL1):c.259T>A (p.Ser87Thr)

Genes: RTEL1-TNFRSF6B (RTEL1-TNFRSF6B readthrough (NMD candidate); plus strand), RTEL1 (regulator of telomere elongation helicase 1; plus strand). Cytogenetic location: 20q13.33.
Variant type: single nucleotide variant.
Coding change: c.259T>A on transcript NM_001283009.2 (MANE Select); coding-DNA position 259, T replaced by A.
Protein change: p.Ser87Thr; replaces serine 87 with threonine.
Molecular consequence: missense variant. On other transcripts: non-coding transcript variant (1), 5 prime UTR variant (1).
Genome position (GRCh38, 1-based): chr20:63,661,454, T>A. VCF-style: chr20-63661454-T-A. GRCh37 (hg19) VCF-style: chr20-62292807-T-A.
Other names: c.-411T>A (NM_001283010.1); c.259T>A, p.Ser87Thr (NM_016434.4, NM_032957.5); c.259T>A (NM_032957.4); short protein forms S87T.
Identifiers: ClinVar variation 942838 (VCV000942838.11), dbSNP rs543685758, ClinGen allele CA9964159.

ClinVar aggregate classification (germline): Uncertain significance. Review status: criteria provided, multiple submitters, no conflicts (2 of 4 stars). 4 submissions from 4 submitters: Uncertain significance (3). 1 of the submissions does not count toward it. Last evaluated 2025-02-27.

Conditions:
Pulmonary fibrosis and/or bone marrow failure, Telomere-related, 3. Also called: PULMONARY FIBROSIS AND/OR BONE MARROW FAILURE SYNDROME, TELOMERE-RELATED, 3. Identifiers: Orphanet 2032, MedGen C4225346, MONDO:0014613, OMIM 616373.
Dyskeratosis congenita, autosomal recessive 5 (DKCB5). Identifiers: MedGen C3554656, MONDO:0014076, OMIM 615190.
Dyskeratosis congenita. Identifiers: Orphanet 1775, MedGen C0265965, MONDO:0015780.
Inborn genetic diseases. Identifiers: MedGen C0950123, MeSH D030342.

Allele frequency attached by ClinVar (database versions not stated): gnomAD exomes below 0.00001; ExAC 0.00001; TOPMed 0.00003; gnomAD 0.00004 and 0.00005; 1000 Genomes Project 30x 0.00016; 1000 Genomes Project 0.00020.
gnomAD v4.1: 12 of 1,613,348 alleles (0.00074%); highest among the groups gnomAD compares: African/African-American, 0.016%; no homozygotes.

Submissions (4):

Labcorp Genetics (formerly Invitae), Labcorp
Classification: Uncertain significance for Dyskeratosis congenita, autosomal recessive 5; Pulmonary fibrosis and/or bone marrow failure, Telomere-related, 3. Last evaluated: 2025-02-27. Review status: criteria provided, single submitter. Criteria: Invitae Variant Classification Sherloc (09022015). Collection method: clinical testing. Allele origin: germline.
Comment: This sequence change replaces serine, which is neutral and polar, with threonine, which is neutral and polar, at codon 87 of the RTEL1 protein (p.Ser87Thr). The frequency data for this variant in the population databases is considered unreliable, as metrics indicate poor data quality at this position in the gnomAD database. This variant has not been reported in the literature in individuals affected with RTEL1-related conditions. ClinVar contains an entry for this variant (Variation ID: 942838). An algorithm developed to predict the effect of missense changes on protein structure and function (PolyPhen-2) suggests that this variant is likely to be tolerated. In summary, the available evidence is currently insufficient to determine the role of this variant in disease. Therefore, it has been classified as a Variant of Uncertain Significance.

Ambry Genetics
Classification: Uncertain significance for Inborn genetic diseases. Last evaluated: 2024-04-24. Review status: criteria provided, single submitter. Criteria: Ambry Variant Classification Scheme 2023. Collection method: clinical testing. Allele origin: germline.

Sema4
Classification: Uncertain significance for Dyskeratosis congenita. Last evaluated: 2021-05-29. Review status: criteria provided, single submitter. Criteria: Sema4 Curation Guidelines. Collection method: curation. Allele origin: germline.
Comment: The RTEL1 c.259T>A (p.S87T) variant has not been reported in the literature to our knowledge. This variant was observed in 1/16206 chromosomes in the African/African American subpopulation of the Genome Aggregation Database (PMID: 32461654). This variant has been reported in ClinVar (Variation ID 942838). In silico tools suggest the impact of the variant on protein function is inconclusive, though these predictions have not been confirmed by functional studies. The overall evidence is insufficient to meet ACMG/AMP criteria for classifying it as benign or pathogenic. In summary, the clinical significance of this variant is currently uncertain.

Natera, Inc.
Classification: Uncertain significance for Dyskeratosis congenita. Last evaluated: 2020-05-14. Review status: no assertion criteria provided. Collection method: clinical testing. Allele origin: germline. Not counted in ClinVar's aggregate classification.